The following is an entry in ClinVar:

NM_006306.4(SMC1A):c.1254+11G>C

Gene: SMC1A (structural maintenance of chromosomes 1A; minus strand). Cytogenetic location: Xp11.22.
Variant type: single nucleotide variant.
Coding change: c.1254+11G>C on transcript NM_006306.4 (MANE Select); 11 bases into the intron after coding-DNA position 1254, G replaced by C.
Molecular consequence: intron variant.
Genome position (GRCh38, 1-based): chrX:53,411,750, C>G on the plus strand (G>C on the coding strand, the complement: SMC1A is on the minus strand). VCF-style: chrX-53411750-C-G. GRCh37 (hg19) VCF-style: chrX-53438700-C-G.
Other names: c.1188+11G>C (NM_001281463.1).
Identifiers: ClinVar variation 159939 (VCV000159939.18), dbSNP rs144354524, ClinGen allele CA272509.

ClinVar aggregate classification (germline): Conflicting classifications of pathogenicity. Review status: criteria provided, conflicting classifications (1 of 4 stars). 4 submissions from 4 submitters: Uncertain significance (1); Benign (2); Likely benign (1). Last evaluated 2026-01-11.

Conditions:
Congenital muscular hypertrophy-cerebral syndrome (CDLS2). Also called: SMC1A-Related Cornelia de Lange Syndrome; Cornelia de Lange syndrome 2. Identifiers: Orphanet 199, MedGen C1802395, MONDO:0010370, OMIM 300590.

Allele frequency attached by ClinVar (database versions not stated): gnomAD exomes 0.00034 and 0.00071; ExAC 0.00097; gnomAD 0.00241 and 0.00258; TOPMed 0.00274; ESP Exome Variant Server 0.00312; 1000 Genomes Project 0.00344; 1000 Genomes Project 30x 0.00416.
gnomAD v4.1: 644 of 1,208,179 alleles (0.053%); highest among the groups gnomAD compares: African/African-American, 0.93%; 2 homozygotes.

Submissions (4):

Labcorp Genetics (formerly Invitae), Labcorp
Classification: Benign for Congenital muscular hypertrophy-cerebral syndrome. Last evaluated: 2026-01-11. Review status: criteria provided, single submitter. Criteria: Invitae Variant Classification Sherloc (09022015). Collection method: clinical testing. Allele origin: germline.

Blueprint Genetics
Classification: Likely benign. Last evaluated: 2024-10-23. Review status: criteria provided, single submitter. Criteria: ACMG Guidelines, 2015. Collection method: clinical testing. Allele origin: germline.

Illumina Laboratory Services, Illumina
Classification: Benign for Congenital muscular hypertrophy-cerebral syndrome. Last evaluated: 2018-01-13. Review status: criteria provided, single submitter. Criteria: ICSL Variant Classification Criteria 13 December 2019. Collection method: clinical testing. Allele origin: germline.
Comment: This variant was observed in the ICSL laboratory as part of a predisposition screen in an ostensibly healthy population. It had not been previously curated by ICSL or reported in the Human Gene Mutation Database (HGMD: prior to June 1st, 2018), and was therefore a candidate for classification through an automated scoring system. Utilizing variant allele frequency, disease prevalence and penetrance estimates, and inheritance mode, an automated score was calculated to assess if this variant is too frequent to cause the disease. Based on the score and internal cut-off values, a variant classified as benign is not then subjected to further curation. The score for this variant resulted in a classification of benign for this disease.

Genetic Services Laboratory, University of Chicago
Classification: Uncertain significance for Cornelia de Lange syndrome 2. Last evaluated: 2013-02-08. Review status: criteria provided, single submitter. Criteria: ACMG Guidelines, 2007. Collection method: clinical testing. Allele origin: germline. Inheritance: X-linked inheritance.